The following is an entry in ClinVar:

ClinVar aggregate classification (germline): Likely benign. Review status: criteria provided, multiple submitters, no conflicts (2 of 4 stars). 2 submissions from 2 submitters: Likely benign (2). Last evaluated 2024-09-22.

Conditions:
Neuromuscular disease caused by qualitative or quantitative defects of dysferlin. Also called: Dysferlinopathy; Qualitative or quantitative defects of dysferlin. Identifiers: Orphanet 207073, MedGen C2931687, MONDO:0016145.

Allele frequency attached by ClinVar (database versions not stated): ExAC 0.00002; gnomAD exomes 0.00002 and 0.00004; gnomAD 0.00003 and 0.00004; TOPMed 0.00003; ESP Exome Variant Server 0.00015.
gnomAD v4.1: 56 of 1,614,010 alleles (0.0035%); highest among the groups gnomAD compares: Non-Finnish European, 0.0046%; no homozygotes.

Submissions (2):

Labcorp Genetics (formerly Invitae), Labcorp
Classification: Likely benign for Neuromuscular disease caused by qualitative or quantitative defects of dysferlin. Last evaluated: 2024-09-22. Review status: criteria provided, single submitter. Criteria: Invitae Variant Classification Sherloc (09022015). Collection method: clinical testing. Allele origin: germline.

GeneDx
Classification: Likely benign. Last evaluated: 2017-11-24. Review status: criteria provided, single submitter. Criteria: GeneDx Variant Classification (06012015). Collection method: clinical testing. Allele origin: germline. Affected: yes.
Comment: This variant is considered likely benign or benign based on one or more of the following criteria: it is a conservative change, it occurs at a poorly conserved position in the protein, it is predicted to be benign by multiple in silico algorithms, and/or has population frequency not consistent with disease.

NM_001130987.2(DYSF):c.2316T>C (p.Ala772=)

Gene: DYSF (dysferlin; plus strand). Cytogenetic location: 2p13.2.
Variant type: single nucleotide variant.
Coding change: c.2316T>C on transcript NM_001130987.2 (MANE Select); coding-DNA position 2316, T replaced by C.
Protein change: p.Ala772=; no amino-acid change (alanine 772 retained).
Molecular consequence: synonymous variant.
Genome position (GRCh38, 1-based): chr2:71,561,851, T>C. VCF-style: chr2-71561851-T-C. GRCh37 (hg19) VCF-style: chr2-71788981-T-C.
Other names: c.2265T>C, p.Ala755= (NM_001130455.2, NM_001130983.2); c.2220T>C, p.Ala740= (NM_001130976.2, NM_001130977.2); c.2262T>C, p.Ala754= (NM_001130978.2, NM_003494.4); c.2355T>C, p.Ala785= (NM_001130979.2); c.2313T>C, p.Ala771= (NM_001130980.2, NM_001130981.2); c.2358T>C, p.Ala786= (NM_001130982.2); c.2223T>C, p.Ala741= (NM_001130984.2, NM_001130986.2); c.2316T>C, p.Ala772= (NM_001130985.2).
Identifiers: ClinVar variation 513657 (VCV000513657.9), dbSNP rs141314294, ClinGen allele CA1706119.